The following is an entry in ClinVar:

NM_006415.4(SPTLC1):c.*483A>G

Gene: SPTLC1 (serine palmitoyltransferase long chain base subunit 1; minus strand). Cytogenetic location: 9q22.31.
Variant type: single nucleotide variant.
Coding change: c.*483A>G on transcript NM_006415.4 (MANE Select); 483 bases downstream of the stop codon, A replaced by G.
Molecular consequence: 3 prime UTR variant.
Genome position (GRCh38, 1-based): chr9:92,031,982, T>C on the plus strand (A>G on the coding strand, the complement: SPTLC1 is on the minus strand). VCF-style: chr9-92031982-T-C. GRCh37 (hg19) VCF-style: chr9-94794264-T-C.
Other names: c.*331A>G (NM_001281303.2); c.*483A>G (NM_001368272.1, NM_001368273.1).
Identifiers: ClinVar variation 367536 (VCV000367536.5), dbSNP rs541284488, ClinGen allele CA10627672.

ClinVar aggregate classification (germline): Benign (1 of 4 stars; one submission).

Conditions:
Neuropathy, hereditary sensory and autonomic, type 1A (HSAN1A). Also called: NEUROPATHY, HEREDITARY SENSORY AND AUTONOMIC, TYPE IA; HSAN IA; HSN IA; NEUROPATHY, HEREDITARY SENSORY RADICULAR, AUTOSOMAL DOMINANT, TYPE 1A; SPTLC1-Related Hereditary Sensory Neuropathy. Identifiers: MedGen C5235211, MONDO:0008086, OMIM 162400.

Allele frequency attached by ClinVar (database versions not stated): gnomAD 0.00001 and 0.00017; TOPMed 0.00002; gnomAD exomes 0.00020; 1000 Genomes Project 0.00060; 1000 Genomes Project 30x 0.00078.
gnomAD v4.1: 52 of 299,986 alleles (0.017%); highest among the groups gnomAD compares: South Asian, 0.51%; 1 homozygote.

Submission:

Illumina Laboratory Services, Illumina
Classification: Benign for Neuropathy, hereditary sensory and autonomic, type 1A. Last evaluated: 2018-01-12. Review status: criteria provided, single submitter. Criteria: ICSL Variant Classification Criteria 13 December 2019. Collection method: clinical testing. Allele origin: germline.
Comment: This variant was observed in the ICSL laboratory as part of a predisposition screen in an ostensibly healthy population. It had not been previously curated by ICSL or reported in the Human Gene Mutation Database (HGMD: prior to June 1st, 2018), and was therefore a candidate for classification through an automated scoring system. Utilizing variant allele frequency, disease prevalence and penetrance estimates, and inheritance mode, an automated score was calculated to assess if this variant is too frequent to cause the disease. Based on the score and internal cut-off values, a variant classified as benign is not then subjected to further curation. The score for this variant resulted in a classification of benign for this disease.